The following is an entry in ClinVar:

NM_001377265.1(MAPT):c.60G>C (p.Leu20Phe)

Gene: MAPT (microtubule associated protein tau). Cytogenetic location: 17q21.31.
Variant type: single nucleotide variant.
Coding change: c.60G>C on transcript NM_001377265.1 (MANE Select); coding-DNA position 60, G replaced by C.
Protein change: p.Leu20Phe; replaces leucine 20 with phenylalanine.
Molecular consequence: missense variant. On other transcripts: non-coding transcript variant (1).
Genome position (GRCh38, 1-based): chr17:45,962,397, G>C. VCF-style: chr17-45962397-G-C. GRCh37 (hg19) VCF-style: chr17-44039763-G-C.
Other names: c.60G>C, p.Leu20Phe (NM_001123066.4, NM_001123067.4, NM_001203251.2 and 8 more transcripts); short protein forms L20F.
Identifiers: ClinVar variation 1368749 (VCV001368749.6), dbSNP rs1430583458, ClinGen allele CA399898568.

ClinVar aggregate classification (germline): Uncertain significance (1 of 4 stars; one submission).

Conditions:
Frontotemporal dementia (FTD1). Also called: Frontotemporal Dementia with Parkinsonism-17 (FTDP-17); Frontotemporal lobe dementia (FLDEM); Dementia, frontotemporal, with or without parkinsonism; FRONTOTEMPORAL DEMENTIA WITH PARKINSONISM; FRONTOTEMPORAL LOBE DEMENTIA; MULTIPLE SYSTEM TAUOPATHY WITH PRESENILE DEMENTIA. Identifiers: Orphanet 282, MedGen C0338451, MONDO:0017276, OMIM 600274, HP:0002145.

Allele frequency attached by ClinVar (database versions not stated): gnomAD 0.00001.
gnomAD v4.1: 16 of 1,612,586 alleles (0.00099%); highest among the groups gnomAD compares: Admixed American, 0.0033%; no homozygotes.

Submission:

Labcorp Genetics (formerly Invitae), Labcorp
Classification: Uncertain significance for Frontotemporal dementia. Last evaluated: 2022-03-03. Review status: criteria provided, single submitter. Criteria: Invitae Variant Classification Sherloc (09022015). Collection method: clinical testing. Allele origin: germline.
Comment: In summary, the available evidence is currently insufficient to determine the role of this variant in disease. Therefore, it has been classified as a Variant of Uncertain Significance. Algorithms developed to predict the effect of missense changes on protein structure and function are either unavailable or do not agree on the potential impact of this missense change (SIFT: "Tolerated"; PolyPhen-2: "Possibly Damaging"; Align-GVGD: "Class C0"). This variant has not been reported in the literature in individuals affected with MAPT-related conditions. This variant is not present in population databases (gnomAD no frequency). This sequence change replaces leucine, which is neutral and non-polar, with phenylalanine, which is neutral and non-polar, at codon 20 of the MAPT protein (p.Leu20Phe).